The following is an entry in ClinVar:

NM_006030.4(CACNA2D2):c.3106del (p.His1036fs)

Genes: CACNA2D2 (calcium voltage-gated channel auxiliary subunit alpha2delta 2; minus strand), LOC127898564 (CYB561D2-LOC101928965; plus strand). Cytogenetic location: 3p21.31.
Variant type: Deletion.
Coding change: c.3106del on transcript NM_006030.4 (MANE Select); coding-DNA position 3106, one base deleted (C; older notation c.3106delC).
Protein change: p.His1036fs; shifts the reading frame from histidine 1036.
Molecular consequence: frameshift variant.
Genome position (GRCh38, 1-based): chr3:50,365,177, G deleted on the plus strand (C on the coding strand, the reverse complement: CACNA2D2 is on the minus strand); the first of 2 consecutive G bases (chr3:50,365,177-50,365,178); deleting either gives the same sequence. VCF-style (leftmost placement, unchanged base first): chr3-50365176-TG-T. GRCh37 (hg19) VCF-style: chr3-50402607-TG-T.
Other names: c.3106del, p.His1036fs (NM_001005505.3); c.3127del, p.His1043fs (NM_001174051.3); c.2899del, p.His967fs (NM_001291101.1); c.3109del, p.His1037fs (NM_001410768.1); short protein forms H1036fs, H1043fs, H967fs, H1037fs.
Identifiers: ClinVar variation 2757448 (VCV002757448.3), dbSNP rs2470974723, ClinGen allele CA2577823002.

ClinVar aggregate classification (germline): Pathogenic (1 of 4 stars; one submission).

Conditions:
Early-infantile DEE. Also called: Ohtahara syndrome; Early infantile epileptic encephalopathy; Early infantile epileptic encephalopathy with suppression bursts. Identifiers: Orphanet 1934, MedGen C0393706, MONDO:0800491.

Submission:

Labcorp Genetics (formerly Invitae), Labcorp
Classification: Pathogenic for Early-infantile DEE. Last evaluated: 2024-04-12. Review status: criteria provided, single submitter. Criteria: Invitae Variant Classification Sherloc (09022015). Collection method: clinical testing. Allele origin: germline.
Comment: This sequence change creates a premature translational stop signal (p.His1036Thrfs*5) in the CACNA2D2 gene. It is expected to result in an absent or disrupted protein product. Loss-of-function variants in CACNA2D2 are known to be pathogenic (PMID: 24358150). This variant is not present in population databases (gnomAD no frequency). This variant has not been reported in the literature in individuals affected with CACNA2D2-related conditions. For these reasons, this variant has been classified as Pathogenic.

Literature cited by the submitters: PubMed 24358150.